The following is an entry in ClinVar:

ClinVar aggregate classification (germline): Likely benign (1 of 4 stars; one submission).

Conditions:
Marfan syndrome (MFS). Also called: MARFAN SYNDROME, TYPE I; Marfan syndrome type 1; Marfan's syndrome; Marfan syndrome, classic; FBN1-Related Marfan Syndrome. Identifiers: Orphanet 284963, Orphanet 558, MedGen C0024796, MONDO:0007947, OMIM 154700.

Submission:

All of Us Research Program, National Institutes of Health
Classification: Likely benign for Marfan syndrome. Last evaluated: 2023-05-16. Review status: criteria provided, single submitter. Criteria: ACMG Guidelines, 2015. Collection method: clinical testing. Allele origin: germline. Inheritance: Autosomal dominant inheritance. Observed: 1 variant allele, 1 heterozygote.
Comment: This study involves interpretation of variants in research participants for the purpose of population health screening. Participant phenotype was not available at the time of variant classification. Additional details can be found in publication PMID: 35346344, PMCID: PMC8962531

NM_000138.5(FBN1):c.711A>G (p.Pro237=)

Gene: FBN1 (fibrillin 1; minus strand). Cytogenetic location: 15q21.1.
Variant type: single nucleotide variant.
Coding change: c.711A>G on transcript NM_000138.5 (MANE Select); coding-DNA position 711, A replaced by G.
Protein change: p.Pro237=; no amino-acid change (proline 237 retained).
Molecular consequence: synonymous variant.
Genome position (GRCh38, 1-based): chr15:48,537,636, T>C on the plus strand (A>G on the coding strand, the complement: FBN1 is on the minus strand). VCF-style: chr15-48537636-T-C. GRCh37 (hg19) VCF-style: chr15-48829833-T-C.
Other names: c.711A>G, p.Pro237= (NM_001406716.1, NM_001406717.1).
Identifiers: ClinVar variation 3071263 (VCV003071263.1), dbSNP rs2044024613, ClinGen allele CA490090005.